The following is an entry in ClinVar:

ClinVar aggregate classification (germline): Uncertain significance. Review status: criteria provided, single submitter (1 of 4 stars). 2 submissions from 2 submitters: Uncertain significance (1). 1 of the submissions does not count toward it. Last evaluated 2021-08-31.

Conditions:
Leber congenital amaurosis 5 (LCA5). Also called: Amaurosis congenita of Leber, type 5. Identifiers: Orphanet 65, MedGen C1858301, MONDO:0011473, OMIM 604537.

Allele frequency attached by ClinVar (database versions not stated): gnomAD 0.00001; TOPMed 0.00001.
gnomAD v4.1: 5 of 1,612,558 alleles (0.00031%); highest among the groups gnomAD compares: Non-Finnish European, 0.00042%; no homozygotes.

Submissions (2):

Labcorp Genetics (formerly Invitae), Labcorp
Classification: Uncertain significance. Last evaluated: 2021-08-31. Review status: criteria provided, single submitter. Criteria: Invitae Variant Classification Sherloc (09022015). Collection method: clinical testing. Allele origin: germline.
Comment: This sequence change replaces leucine with proline at codon 696 of the LCA5 protein (p.Leu696Pro). The leucine residue is moderately conserved and there is a moderate physicochemical difference between leucine and proline. This variant is not present in population databases (ExAC no frequency). This variant has not been reported in the literature in individuals affected with LCA5-related conditions. Algorithms developed to predict the effect of missense changes on protein structure and function are either unavailable or do not agree on the potential impact of this missense change (SIFT: "Deleterious"; PolyPhen-2: "Possibly Damaging"; Align-GVGD: "Class C0"). In summary, the available evidence is currently insufficient to determine the role of this variant in disease. Therefore, it has been classified as a Variant of Uncertain Significance.

Natera, Inc.
Classification: Uncertain significance for Leber congenital amaurosis type 5. Last evaluated: 2020-08-04. Review status: no assertion criteria provided. Collection method: clinical testing. Allele origin: germline. Not counted in ClinVar's aggregate classification.

NM_001122769.3(LCA5):c.2087T>C (p.Leu696Pro)

Gene: LCA5 (lebercilin LCA5; minus strand). Cytogenetic location: 6q14.1.
Variant type: single nucleotide variant.
Coding change: c.2087T>C on transcript NM_001122769.3 (MANE Select); coding-DNA position 2087, T replaced by C.
Protein change: p.Leu696Pro; replaces leucine 696 with proline.
Molecular consequence: missense variant.
Genome position (GRCh38, 1-based): chr6:79,487,011, A>G on the plus strand (T>C on the coding strand, the complement: LCA5 is on the minus strand). VCF-style: chr6-79487011-A-G. GRCh37 (hg19) VCF-style: chr6-80196728-A-G.
Other names: c.2087T>C, p.Leu696Pro (NM_181714.4); short protein forms L696P.
Identifiers: ClinVar variation 965938 (VCV000965938.7), dbSNP rs758968702, ClinGen allele CA364636271.